The following is an entry in ClinVar:

NM_001009944.3(PKD1):c.5776del (p.Ala1926fs)

Gene: PKD1 (polycystin 1, transient receptor potential channel interacting; minus strand). Cytogenetic location: 16p13.3.
Variant type: Deletion.
Coding change: c.5776del on transcript NM_001009944.3 (MANE Select); coding-DNA position 5776, one base deleted (G; older notation c.5776delG).
Protein change: p.Ala1926fs; shifts the reading frame from alanine 1926.
Molecular consequence: frameshift variant.
Genome position (GRCh38, 1-based): chr16:2,109,391, C deleted on the plus strand (G on the coding strand, the reverse complement: PKD1 is on the minus strand); the first of 4 consecutive C bases (chr16:2,109,391-2,109,394); deleting any one gives the same sequence. VCF-style (leftmost placement, unchanged base first): chr16-2109390-GC-G. GRCh37 (hg19) VCF-style: chr16-2159391-GC-G.
Other names: c.5776del, p.Ala1926fs (NM_000296.4); short protein forms A1926fs.
Identifiers: ClinVar variation 997368 (VCV000997368.4), dbSNP rs2092444151, ClinGen allele CA2202046257.
Genomic context (GRCh38, chr16:2,109,390, plus strand): 5'-TGGTCTCCGACGCGGGGGAAGCTGTGGGAGAAACGGGGCCCGGGGAGCACCTCGGGGTTG[GC>G]CCCGCCGACCTGCAGGCGGAAGGTGACAGCTGAGCCGGCAGCCAGCAGGATCTGAAAATG-3'

ClinVar aggregate classification (germline): Pathogenic. Review status: criteria provided, single submitter (1 of 4 stars). 2 submissions from 2 submitters: Pathogenic (1). 1 of the submissions does not count toward it. Last evaluated 2022-06-24.

Conditions:
Polycystic kidney disease, adult type (PKD1). Also called: POLYCYSTIC KIDNEY DISEASE, ADULT, TYPE I; Polycystic Kidney Disease 1, Autosomal Dominant; Polycystic kidney disease 1; Polycystic kidney disease 1, severe; Polycystic Kidney, Autosomal Dominant; POLYCYSTIC KIDNEY DISEASE 1 WITH OR WITHOUT POLYCYSTIC LIVER DISEASE. Identifiers: MedGen C3149841, MONDO:0008263, OMIM 173900.
Polycystic kidney disease. Also called: Polycystic kidney dysplasia; Kidney, Polycystic. Identifiers: MedGen C0022680, MeSH D007690, MONDO:0020642, HP:0000113.

Submissions (2):

Victorian Clinical Genetics Services, Murdoch Childrens Research Institute
Classification: Pathogenic for Polycystic kidney disease, adult type. Last evaluated: 2022-06-24. Review status: criteria provided, single submitter. Criteria: ACMG Guidelines, 2015. Collection method: clinical testing. Allele origin: germline. Inheritance: Autosomal dominant inheritance. Affected: yes.
Comment: Based on the classification scheme VCGS_Germline_v1.3.4, this variant is classified as Pathogenic. Following criteria are met: 0102 - Loss of function is a known mechanism of disease in this gene and is associated with polycystic kidney disease 1 (MIM#173900). (I) 0107 - This gene is associated with autosomal dominant disease. Polycystic kidney disease 1 (MIM#173900) is predominantly caused by monoallelic variants, with rare reports of biallelic variants causing disease (OMIM). (I) 0201 - Variant is predicted to cause nonsense-mediated decay (NMD) and loss of protein (premature termination codon is located at least 54 nucleotides upstream of the final exon-exon junction). (SP) 0251 - This variant is heterozygous. (I) 0301 - Variant is absent from gnomAD (both v2 and v3). (SP) 0701 - Other NMD predicted variants comparable to the one identified in this case have very strong previous evidence for pathogenicity (DECIPHER). (SP) 0803 - This variant has limited previous evidence of pathogenicity in an unrelated individual. This variant has been classified as pathogenic by a clinical laboratory in ClinVar. (SP) 0905 - No published segregation evidence has been identified for this variant. (I) 1007 - No published functional evidence has been identified for this variant. (I) 1208 - Inheritance information for this variant is not currently available in this individual. (I) Legend: (SP) - Supporting pathogenic, (I) - Information, (SB) - Supporting benign

Department of Pathology and Laboratory Medicine, Sinai Health System
Classification: Pathogenic for Polycystic Kidney disease. Review status: no assertion criteria provided. Collection method: clinical testing. Allele origin: unknown. Affected: yes. Study: The Canadian Open Genetics Repository (COGR). Not counted in ClinVar's aggregate classification.
Comment: The PKD1 p.Ala1926ProfsX23 variant was not identified in the literature, nor was it identified in dbSNP, the 1000 Genomes Project, the NHLBI Exome Sequencing Project, the Exome Aggregation Consortium, GeneInsight COGR, ClinVar, Clinvitae, MutDB, ADPKD Mutation Database or PKD1-LOVD, or PKD1-LOVD 3.0. The c.5776delG variant is predicted to cause a frameshift, which alters the protein amino acid sequence beginning at codon 1926 and leads to a premature stop codon 23 codons downstream. This alteration is then predicted to result in a truncated or absent protein and loss of function. Loss of function variants of the PKD1 gene are an established mechanism of disease in autosomal dominant polycystic kidney disease and is the type of variant expected to cause the disorder. In summary, based on the above information, this variant meets our laboratoryâ€šÃ„Ã´s criteria to be classified as pathogenic.